The following is an entry in ClinVar:

ClinVar aggregate classification (germline): Uncertain significance (1 of 4 stars; one submission).

Submission:

Labcorp Genetics (formerly Invitae), Labcorp
Classification: Uncertain significance. Last evaluated: 2025-07-27. Review status: criteria provided, single submitter. Criteria: Invitae Variant Classification Sherloc (09022015). Collection method: clinical testing. Allele origin: germline.
Comment: This sequence change replaces aspartic acid, which is acidic and polar, with glutamic acid, which is acidic and polar, at codon 217 of the DLX3 protein (p.Asp217Glu). This variant is not present in population databases (gnomAD no frequency). This variant has not been reported in the literature in individuals affected with DLX3-related conditions. ClinVar contains an entry for this variant (Variation ID: 3684560). Invitae Evidence Modeling of protein sequence and biophysical properties (such as structural, functional, and spatial information, amino acid conservation, physicochemical variation, residue mobility, and thermodynamic stability) indicates that this missense variant is not expected to disrupt DLX3 protein function with a negative predictive value of 80%. In summary, the available evidence is currently insufficient to determine the role of this variant in disease. Therefore, it has been classified as a Variant of Uncertain Significance.

NM_005220.3(DLX3):c.651C>A (p.Asp217Glu)

Gene: DLX3 (distal-less homeobox 3; minus strand). Cytogenetic location: 17q21.33.
Variant type: single nucleotide variant.
Coding change: c.651C>A on transcript NM_005220.3 (MANE Select); coding-DNA position 651, C replaced by A.
Protein change: p.Asp217Glu; replaces aspartic acid 217 with glutamic acid.
Molecular consequence: missense variant.
Genome position (GRCh38, 1-based): chr17:49,991,730, G>T on the plus strand (C>A on the coding strand, the complement: DLX3 is on the minus strand). VCF-style: chr17-49991730-G-T. GRCh37 (hg19) VCF-style: chr17-48069094-G-T.
Other names: short protein forms D217E.
Identifiers: ClinVar variation 3684560 (VCV003684560.2).